The following is an entry in ClinVar:

ClinVar aggregate classification (germline): Uncertain significance (1 of 4 stars; one submission).

gnomAD v4.1: 2 of 1,613,976 alleles (0.00012%); highest among the groups gnomAD compares: South Asian, 0.0022%; no homozygotes.

Submission:

Labcorp Genetics (formerly Invitae), Labcorp
Classification: Uncertain significance. Last evaluated: 2025-11-06. Review status: criteria provided, single submitter. Criteria: Invitae Variant Classification Sherloc (09022015). Collection method: clinical testing. Allele origin: germline.
Comment: This sequence change replaces glycine, which is neutral and non-polar, with alanine, which is neutral and non-polar, at codon 1483 of the SAMD9L protein (p.Gly1483Ala). This variant is present in population databases (no rsID available, gnomAD 0.003%). This variant has not been reported in the literature in individuals affected with SAMD9L-related conditions. Invitae Evidence Modeling of protein sequence and biophysical properties (such as structural, functional, and spatial information, amino acid conservation, physicochemical variation, residue mobility, and thermodynamic stability) indicates that this missense variant is expected to disrupt SAMD9L protein function with a positive predictive value of 80%. In summary, the available evidence is currently insufficient to determine the role of this variant in disease. Therefore, it has been classified as a Variant of Uncertain Significance.

NM_152703.5(SAMD9L):c.4448G>C (p.Gly1483Ala)

Gene: SAMD9L (sterile alpha motif domain containing 9 like; minus strand). Cytogenetic location: 7q21.2.
Variant type: single nucleotide variant.
Coding change: c.4448G>C on transcript NM_152703.5 (MANE Select); coding-DNA position 4448, G replaced by C.
Protein change: p.Gly1483Ala; replaces glycine 1483 with alanine.
Molecular consequence: missense variant.
Genome position (GRCh38, 1-based): chr7:93,131,524, C>G on the plus strand (G>C on the coding strand, the complement: SAMD9L is on the minus strand). VCF-style: chr7-93131524-C-G. GRCh37 (hg19) VCF-style: chr7-92760837-C-G.
Other names: c.4448G>C, p.Gly1483Ala (NM_001303496.3, NM_001303497.3, NM_001303498.3 and 5 more transcripts); short protein forms G1483A.
Identifiers: ClinVar variation 4730396 (VCV004730396.1).